The following is an entry in ClinVar:

NM_001768.7(CD8A):c.76G>T (p.Val26Leu)

Gene: CD8A (CD8 subunit alpha; minus strand). Cytogenetic location: 2p11.2.
Variant type: single nucleotide variant.
Coding change: c.76G>T on transcript NM_001768.7 (MANE Select); coding-DNA position 76, G replaced by T.
Protein change: p.Val26Leu; replaces valine 26 with leucine.
Molecular consequence: missense variant. On other transcripts: non-coding transcript variant (3).
Genome position (GRCh38, 1-based): chr2:86,790,655, C>A on the plus strand (G>T on the coding strand, the complement: CD8A is on the minus strand). VCF-style: chr2-86790655-C-A. GRCh37 (hg19) VCF-style: chr2-87017778-C-A.
Other names: c.76G>T, p.Val26Leu (NM_001145873.1, NM_001382698.1, NM_171827.4); short protein forms V26L.
Identifiers: ClinVar variation 2051164 (VCV002051164.2), dbSNP rs771549955, ClinGen allele CA1751277.
Genomic context (GRCh38, chr2:86,790,655, plus strand): 5'-GCACCTGGCACTTCAGCTCCACTGTCTCGCCCAGGTTCCAGGTCCGATCCAGCGGCGACA[C>A]CCGGAACTGGCTCGGCCTGGCGGCGTCTGCAGGCGGCAAGCAGCGAGGCTGAGCCCGCAG-3'
Protein context (NP_001759.3, residues 16-36): LHAARPSQFR[Val26Leu]SPLDRTWNLG

ClinVar aggregate classification (germline): Uncertain significance (1 of 4 stars; one submission).

Conditions:
Susceptibility to respiratory infections associated with CD8alpha chain mutation (IMD116). Also called: Cd8 deficiency, familial; IMMUNODEFICIENCY 116. Identifiers: Orphanet 169085, MedGen C1837065, MONDO:0012161, OMIM 608957.

gnomAD v4.1: 4 of 1,600,998 alleles (0.00025%); highest among the groups gnomAD compares: South Asian, 0.0011%; no homozygotes.

Submission:

Labcorp Genetics (formerly Invitae), Labcorp
Classification: Uncertain significance for Susceptibility to respiratory infections associated with CD8alpha chain mutation. Last evaluated: 2025-10-23. Review status: criteria provided, single submitter. Criteria: Invitae Variant Classification Sherloc (09022015). Collection method: clinical testing. Allele origin: germline.
Comment: This sequence change replaces valine, which is neutral and non-polar, with leucine, which is neutral and non-polar, at codon 26 of the CD8A protein (p.Val26Leu). This variant is present in population databases (rs771549955, gnomAD 0.001%). This variant has not been reported in the literature in individuals affected with CD8A-related conditions. ClinVar contains an entry for this variant (Variation ID: 2051164). An algorithm developed to predict the effect of missense changes on protein structure and function outputs the following: PolyPhen-2: "Benign". The leucine amino acid residue is found in multiple mammalian species, which suggests that this missense change does not adversely affect protein function. In summary, the available evidence is currently insufficient to determine the role of this variant in disease. Therefore, it has been classified as a Variant of Uncertain Significance.